The following is an entry in ClinVar:

NM_007294.4(BRCA1):c.2445_2448del (p.Ile815fs)

Gene: BRCA1 (BRCA1 DNA repair associated; minus strand). Cytogenetic location: 17q21.31.
Variant type: Deletion.
Coding change: c.2445_2448del on transcript NM_007294.4 (MANE Select); coding-DNA positions 2445 to 2448, 4 bases deleted (TCAT; older notation c.2445_2448delTCAT).
Protein change: p.Ile815fs; shifts the reading frame from isoleucine 815.
Molecular consequence: frameshift variant. On other transcripts: intron variant (137).
Genome position (GRCh38, 1-based): chr17:43,093,083-43,093,086, ATGA deleted on the plus strand (TCAT on the coding strand, the reverse complement: BRCA1 is on the minus strand); deleting any 4 consecutive bases within chr17:43,093,083-43,093,088 gives the same sequence; the c. name uses the placement nearest the transcript's 3' end. VCF-style (leftmost placement, unchanged base first): chr17-43093082-CATGA-C. GRCh37 (hg19) VCF-style: chr17-41245099-CATGA-C.
Other names: c.2445_2448delTCAT (NM_007294.3); c.2301_2304del, p.Ile767fs (NM_001407839.1, NM_001407841.1, NM_001407842.1 and 20 more transcripts); c.2304_2307del, p.Ile768fs (NM_001407850.1, NM_001407851.1, NM_001407852.1 and 29 more transcripts); c.2232_2235del, p.Ile744fs (NM_001407853.1, NM_001407894.1, NM_001407895.1 and 9 more transcripts); c.2445_2448del, p.Ile815fs (NM_001407854.1, NM_001407858.1, NM_001407859.1 and 30 more transcripts); c.2442_2445del, p.Ile814fs (NM_001407860.1, NM_001407861.1, NM_001407587.1 and 22 more transcripts); c.2244_2247del, p.Ile748fs (NM_001407862.1); c.2322_2325del, p.Ile774fs (NM_001407863.1, NM_001407919.1, NM_001407937.1 and 19 more transcripts); and 42 more; short protein forms I815fs, I768fs, I647fs, I687fs, I773fs, I789fs, I726fs, I767fs.
Identifiers: ClinVar variation 254413 (VCV000254413.5), dbSNP rs886038000, ClinGen allele CA10586644.
Genomic context (GRCh38, chr17:43,093,082, plus strand): 5'-CTTCATGTCCCAATGGATACTTAAAGCCTTCTGTGTCATTTCTATTATCTTTGGAACAAC[CATGA>C]ATTAGTCCCTTGGGGTTTTCAAATGCTGCACACTGACTCACACATTTATTTGGTTCTGTT-3'

ClinVar aggregate classification (germline): Pathogenic. Review status: reviewed by expert panel (3 of 4 stars). 2 submissions from 2 submitters: Pathogenic (1). 1 of the submissions does not count toward it. Last evaluated 2016-09-08.

Conditions:
Breast-ovarian cancer, familial, susceptibility to, 1 (BROVCA1). Also called: BRCA1 Hereditary Breast and Ovarian Cancer; OVARIAN CANCER, SUSCEPTIBILITY TO. Identifiers: Orphanet 145, MedGen C2676676, MONDO:0011450, OMIM 604370. Disease mechanism: loss of function.

Submissions (2):

Evidence-based Network for the Interpretation of Germline Mutant Alleles (ENIGMA)
Classification: Pathogenic for Breast-ovarian cancer, familial, susceptibility to, 1. Last evaluated: 2016-09-08. Review status: reviewed by expert panel. Criteria: ENIGMA BRCA1/2 Classification Criteria (2015). Collection method: curation. Allele origin: germline.
Comment: Variant allele predicted to encode a truncated non-functional protein.

Consortium of Investigators of Modifiers of BRCA1/2 (CIMBA), c/o University of Cambridge
Classification: Pathogenic for Breast-ovarian cancer, familial, susceptibility to, 1. Last evaluated: 2015-10-02. Review status: criteria provided, single submitter. Criteria: CIMBA Mutation Classification guidelines May 2016. Collection method: clinical testing. Allele origin: germline. Not counted in ClinVar's aggregate classification.